The following is an entry in ClinVar:

ClinVar aggregate classification (germline): Uncertain significance (1 of 4 stars; one submission).

gnomAD v4.1: 4 of 1,614,084 alleles (0.00025%); highest among the groups gnomAD compares: Non-Finnish European, 0.00034%; no homozygotes.

Submission:

GeneDx
Classification: Uncertain significance. Last evaluated: 2026-02-09. Review status: criteria provided, single submitter. Criteria: GeneDx Variant Classification Process June 2021. Collection method: clinical testing. Allele origin: germline.
Comment: Not observed at significant frequency in large population cohorts (gnomAD); In silico analysis supports that this missense variant has a deleterious effect on protein structure/function; Has not been previously published as pathogenic or benign to our knowledge

NM_138694.4(PKHD1):c.2929A>T (p.Asn977Tyr)

Gene: PKHD1 (PKHD1 ciliary IPT domain containing fibrocystin/polyductin; minus strand). Cytogenetic location: 6p12.2.
Variant type: single nucleotide variant.
Coding change: c.2929A>T on transcript NM_138694.4 (MANE Select); coding-DNA position 2929, A replaced by T.
Protein change: p.Asn977Tyr; replaces asparagine 977 with tyrosine.
Molecular consequence: missense variant.
Genome position (GRCh38, 1-based): chr6:52,043,027, T>A on the plus strand (A>T on the coding strand, the complement: PKHD1 is on the minus strand). VCF-style: chr6-52043027-T-A. GRCh37 (hg19) VCF-style: chr6-51907825-T-A.
Other names: c.2929A>T, p.Asn977Tyr (NM_170724.3); short protein forms N977Y.
Identifiers: ClinVar variation 4976425 (VCV004976425.1).